The following is an entry in ClinVar:

NM_031407.7(HUWE1):c.3149A>G (p.Lys1050Arg)

Gene: HUWE1 (HECT, UBA and WWE domain containing E3 ubiquitin protein ligase 1; minus strand). Cytogenetic location: Xp11.22.
Variant type: single nucleotide variant.
Coding change: c.3149A>G on transcript NM_031407.7 (MANE Select); coding-DNA position 3149, A replaced by G.
Protein change: p.Lys1050Arg; replaces lysine 1050 with arginine.
Molecular consequence: missense variant.
Genome position (GRCh38, 1-based): chrX:53,600,132, T>C on the plus strand (A>G on the coding strand, the complement: HUWE1 is on the minus strand). VCF-style: chrX-53600132-T-C. GRCh37 (hg19) VCF-style: chrX-53627092-T-C.
Other names: short protein forms K1050R.
Identifiers: ClinVar variation 2571823 (VCV002571823.4), dbSNP rs782608172, ClinGen allele CA10422611.
Genomic context (GRCh38, chrX:53,600,132, plus strand): 5'-AAGGGACTGAAAGCCAGAAAAGGTAGGAGAAAGGAGAATGACTCACCTGATAACAAAGGC[T>C]TGATTTGCTTAATTCTGGCAGCCATTGCTGGTGTGATTTTAGATTTGCCCTTAGAGTCTG-3'
Protein context (NP_113584.3, residues 1040-1060): PAMAARIKQI[Lys1050Arg]PLLSASSRLG

ClinVar aggregate classification (germline): Uncertain significance (1 of 4 stars; one submission).

Allele frequency attached by ClinVar (database versions not stated): ExAC 0.00001; gnomAD 0.00003; TOPMed 0.00003.
gnomAD v4.1: 3 of 1,209,924 alleles (0.00025%); highest among the groups gnomAD compares: African/African-American, 0.0052%; no homozygotes.

Submission:

GeneDx
Classification: Uncertain significance. Last evaluated: 2025-10-31. Review status: criteria provided, single submitter. Criteria: GeneDx Variant Classification Process June 2021. Collection method: clinical testing. Allele origin: germline. Affected: yes.
Comment: In silico analysis suggests that this missense variant does not alter protein structure/function; Has not been previously published as pathogenic or benign to our knowledge